The following is an entry in ClinVar:

NM_000104.4(CYP1B1):c.1392A>T (p.Ser464=)

Genes: CYP1B1 (cytochrome P450 family 1 subfamily B member 1; minus strand), LOC128772254 (melanoma risk locus-associated MPRA allelic enhancer 2:38298139; plus strand). Cytogenetic location: 2p22.2.
Variant type: single nucleotide variant.
Coding change: c.1392A>T on transcript NM_000104.4 (MANE Select); coding-DNA position 1392, A replaced by T.
Protein change: p.Ser464=; no amino-acid change (serine 464 retained).
Molecular consequence: synonymous variant.
Genome position (GRCh38, 1-based): chr2:38,070,962, T>A on the plus strand (A>T on the coding strand, the complement: CYP1B1 is on the minus strand). VCF-style: chr2-38070962-T-A. GRCh37 (hg19) VCF-style: chr2-38298105-T-A.
Other names: NM_000104.4(CYP1B1):c.1392A>T; p.Ser464=.
Identifiers: ClinVar variation 772690 (VCV000772690.9), dbSNP rs4986889, ClinGen allele CA1619791.
Genomic context (GRCh38, chr2:38,070,962, plus strand): 5'-GATGAAGAGAAAAAGCTGCATCTTAGAAAGTTCTTCGCCAATGCACCGCCTTTTGCCCAC[T>A]GAAAAAATCATCACTCTGCTGGTCAGGTCCTTGTTGATGAGGCCATCCTTGTCCAAGAAT-3'
Protein context (NP_000095.2, residues 454-474): KDLTSRVMIF[Ser464=]VGKRRCIGEE

ClinVar aggregate classification (germline): Likely benign. Review status: reviewed by expert panel (3 of 4 stars). 2 submissions from 2 submitters: Likely benign (1). 1 of the submissions does not count toward it. Last evaluated 2025-11-19.

Conditions:
Congenital glaucoma. Identifiers: MedGen C0020302, MONDO:0020366.
CYP1B1-related glaucoma with or without anterior segment dysgenesis. Identifiers: MedGen CN375931, MONDO:0800472.

Allele frequency attached by ClinVar (database versions not stated): gnomAD 0.00245 and 0.00264; ExAC 0.00082; 1000 Genomes Project 0.00240; gnomAD exomes 0.00069; ESP Exome Variant Server 0.00308; 1000 Genomes Project 30x 0.00265; TOPMed 0.00269.
gnomAD v4.1: 744 of 1,614,184 alleles (0.046%); highest among the groups gnomAD compares: African/African-American, 0.89%; 4 homozygotes.

Submissions (2):

ClinGen Glaucoma Variant Curation Expert Panel
Classification: Likely benign for CYP1B1-related glaucoma with or without anterior segment dysgenesis. Last evaluated: 2025-11-19. Review status: reviewed by expert panel. Criteria: ClinGen CYP1B1 ACMG Specifications V1 Approved. Collection method: curation. Allele origin: germline. Inheritance: Autosomal recessive inheritance.
Comment: The c.1392A>T variant in CYP1B1 is a synonymous variant (p.Ser464=). The highest minor allele frequency of this variant was in the African/African American genetic ancestry group of gnomAD (v4.1.0) = 0.008862 (665 alleles out of 75,040), which did not meet the PM2_Supporting allele frequency threshold (≤ 0.0005) or the BS1 allele frequency threshold (≥ 0.01). The SpliceAI score = 0, which met the ≤ 0.1 threshold for BP4, suggesting that the variant does not impact CYP1B1 function. This synonymous variant is located outside of the first and the last 3 bases of the exon and BP4 is met, so BP7 is met. There was no functional evidence predicting a damaging or benign impact of this variant on CYP1B1 function. This variant has been identified in an individual in laboratory testing (ClinVar database), however BP4 is met, therefore PM3 was not assessed. In summary, this variant met the criteria to receive a score of -2 and to be classified as likely benign (likely benign classification range -2 to -6, adapted from PMID: 32720330) for CYP1B1- related glaucoma with or without anterior segment dysgenesis (ASD) based on the ACMG/AMP criteria met, as specified by the ClinGen Glaucoma VCEP (v1.0, 06.11.2025): BP4, BP7.

Labcorp Genetics (formerly Invitae), Labcorp
Classification: Benign for Congenital glaucoma. Last evaluated: 2026-01-26. Review status: criteria provided, single submitter. Criteria: Invitae Variant Classification Sherloc (09022015). Collection method: clinical testing. Allele origin: germline. Not counted in ClinVar's aggregate classification.